The following is an entry in ClinVar:

ClinVar aggregate classification (germline): Conflicting classifications of pathogenicity. Review status: criteria provided, conflicting classifications (1 of 4 stars). 5 submissions from 5 submitters: Uncertain significance (1); Likely benign (3). 1 of the submissions does not count toward it. Last evaluated 2026-09-01.

Conditions:
C1R-related disorder. Also called: C1R-related condition.
Ehlers-Danlos syndrome, periodontal type 1. Identifiers: Orphanet 75392, MedGen C4551499, MONDO:0020684, OMIM 130080.

Allele frequency attached by ClinVar (database versions not stated): 1000 Genomes Project 30x 0.00016; ExAC 0.00019; gnomAD 0.00021; TOPMed 0.00022; gnomAD exomes 0.00024; ESP Exome Variant Server 0.00033.
gnomAD v4.1: 180 of 773,314 alleles (0.023%); highest among the groups gnomAD compares: Non-Finnish European, 0.039%; no homozygotes.

Submissions (5):

CeGaT Center for Human Genetics Tuebingen
Classification: Likely benign. Last evaluated: 2026-09-01. Review status: criteria provided, single submitter. Criteria: CeGaT Center For Human Genetics Tuebingen Variant Classification Criteria Version 2. Collection method: clinical testing. Allele origin: germline. Affected: yes. Observed: 2 variant alleles.
Comment: C1R: BS1

Women's Health and Genetics/Laboratory Corporation of America, LabCorp
Classification: Likely benign. Last evaluated: 2025-11-06. Review status: criteria provided, single submitter. Criteria: LabCorp Variant Classification Summary - May 2015. Collection method: clinical testing. Allele origin: germline.
Comment: Variant summary: C1R c.419C>T (p.Ala140Val) results in a non-conservative amino acid change in the encoded protein sequence. Algorithms developed to predict the effect of missense changes on protein structure and function all suggest that this variant is likely to be disruptive. The variant allele was found at a frequency of 0.00013 in 237312 control chromosomes. The observed variant frequency exceeds the estimated maximal expected allele frequency for disease-causing variants in C1R. c.419C>T has been observed in an individual affected with hypermobile Ehlers-Danlos syndrome without strong evidence for causality (Vandersteen_2024). This report does not provide unequivocal conclusions about association of the variant with Ehlers-Danlos syndrome, periodontal type 1. To our knowledge, no experimental evidence demonstrating an impact on protein function has been reported. The following publication has been ascertained in the context of this evaluation (PMID: 37813462). ClinVar contains an entry for this variant (Variation ID: 2439616). Based on the evidence outlined above, the variant was classified as likely benign.

Blueprint Genetics
Classification: Likely benign. Last evaluated: 2024-11-21. Review status: criteria provided, single submitter. Criteria: ACMG Guidelines, 2015. Collection method: clinical testing. Allele origin: germline.

Revvity Omics, Revvity
Classification: Uncertain significance for Ehlers-Danlos syndrome, periodontal type 1. Last evaluated: 2021-07-27. Review status: criteria provided, single submitter. Criteria: ACMG Guidelines, 2015. Collection method: clinical testing. Allele origin: germline.

PreventionGenetics, part of Exact Sciences
Classification: Likely benign for C1R-related condition. Last evaluated: 2024-05-30. Review status: no assertion criteria provided. Collection method: clinical testing. Allele origin: germline. Not counted in ClinVar's aggregate classification.
Comment: This variant is classified as likely benign based on ACMG/AMP sequence variant interpretation guidelines (Richards et al. 2015 PMID: 25741868, with internal and published modifications).

Literature cited by the submitters: PubMed 37813462 (cited by Women's Health and Genetics/Laboratory Corporation of America, LabCorp).

NM_001733.7(C1R):c.419C>T (p.Ala140Val)

Gene: C1R (complement C1r; minus strand). Cytogenetic location: 12p13.31.
Variant type: single nucleotide variant.
Coding change: c.419C>T on transcript NM_001733.7 (MANE Select); coding-DNA position 419, C replaced by T.
Protein change: p.Ala140Val; replaces alanine 140 with valine.
Molecular consequence: missense variant.
Genome position (GRCh38, 1-based): chr12:7,090,061, G>A on the plus strand (C>T on the coding strand, the complement: C1R is on the minus strand). VCF-style: chr12-7090061-G-A. GRCh37 (hg19) VCF-style: chr12-7242657-G-A.
Other names: c.461C>T, p.Ala154Val (NM_001354346.2); c.419C>T (NM_001733.4); short protein forms A140V, A154V.
Identifiers: ClinVar variation 2439616 (VCV002439616.10), dbSNP rs200539827, ClinGen allele CA6424260.